The following is an entry in ClinVar:

NM_001062.4(TCN1):c.622A>G (p.Lys208Glu)

Gene: TCN1 (transcobalamin 1; minus strand). Cytogenetic location: 11q12.1.
Variant type: single nucleotide variant.
Coding change: c.622A>G on transcript NM_001062.4 (MANE Select); coding-DNA position 622, A replaced by G.
Protein change: p.Lys208Glu; replaces lysine 208 with glutamic acid.
Molecular consequence: missense variant.
Genome position (GRCh38, 1-based): chr11:59,859,202, T>C on the plus strand (A>G on the coding strand, the complement: TCN1 is on the minus strand). VCF-style: chr11-59859202-T-C. GRCh37 (hg19) VCF-style: chr11-59626675-T-C.
Other names: short protein forms K208E.
Identifiers: ClinVar variation 2761255 (VCV002761255.3), dbSNP rs2495742491, ClinGen allele CA380807707.
Genomic context (GRCh38, chr11:59,859,202, plus strand): 5'-TCTTTTCTACCAGTGACTTTGTATAAATACTGATGTTCTTTAAACTGCCTTCATCTGCTT[T>C]GATCTGCCCATTTATTAGACTCTTCTTCACACAGGTCAGAGCCAGGACAGCCATTGCACC-3'
Protein context (NP_001053.2, residues 198-218): VKKSLINGQI[Lys208Glu]ADEGSLKNIS

ClinVar aggregate classification (germline): Uncertain significance (1 of 4 stars; one submission).

Conditions:
Transcobalamin I deficiency (TCN1D). Also called: TCN1 DEFICIENCY; COBALAMIN PSEUDODEFICIENCY DUE TO TRANSCOBALAMIN DEFICIENCY; COBALAMIN R BINDER PROTEIN DEFICIENCY. Identifiers: Orphanet 2967, MedGen C0342700, MONDO:0008659, OMIM 193090.

Submission:

Labcorp Genetics (formerly Invitae), Labcorp
Classification: Uncertain significance for Transcobalamin I deficiency. Last evaluated: 2023-09-17. Review status: criteria provided, single submitter. Criteria: Invitae Variant Classification Sherloc (09022015). Collection method: clinical testing. Allele origin: germline.
Comment: This sequence change replaces lysine, which is basic and polar, with glutamic acid, which is acidic and polar, at codon 208 of the TCN1 protein (p.Lys208Glu). This variant is not present in population databases (gnomAD no frequency). This variant has not been reported in the literature in individuals affected with TCN1-related conditions. Algorithms developed to predict the effect of missense changes on protein structure and function output the following: SIFT: "Not Available"; PolyPhen-2: "Benign"; Align-GVGD: "Not Available". The glutamic acid amino acid residue is found in multiple mammalian species, which suggests that this missense change does not adversely affect protein function. In summary, the available evidence is currently insufficient to determine the role of this variant in disease. Therefore, it has been classified as a Variant of Uncertain Significance.